The following is an entry in ClinVar:

ClinVar aggregate classification (germline): Benign/Likely benign. Review status: criteria provided, multiple submitters, no conflicts (2 of 4 stars). 2 submissions from 2 submitters: Benign (1); Likely benign (1). Last evaluated 2025-12-21.

Conditions:
Familial adenomatous polyposis 1 (FAP1). Also called: POLYPOSIS, ADENOMATOUS INTESTINAL; FAMILIAL ADENOMATOUS POLYPOSIS 1, ATTENUATED. Identifiers: MedGen C2713442, MONDO:0021056, OMIM 175100. Disease mechanism: loss of function.

Submissions (2):

Labcorp Genetics (formerly Invitae), Labcorp
Classification: Likely benign for Familial adenomatous polyposis 1. Last evaluated: 2025-12-21. Review status: criteria provided, single submitter. Criteria: Invitae Variant Classification Sherloc (09022015). Collection method: clinical testing. Allele origin: germline.

Myriad Genetics, Inc.
Classification: Benign for Familial adenomatous polyposis 1. Last evaluated: 2024-03-15. Review status: criteria provided, single submitter. Criteria: Myriad Autosomal Dominant, Autosomal Recessive and X-Linked Classification Criteria (2023). Collection method: clinical testing. Allele origin: unknown.
Comment: This variant is considered benign. This variant is a silent/synonymous amino acid change and it is not expected to impact splicing.

NM_000038.6(APC):c.2703G>A (p.Gln901=)

Gene: APC (APC regulator of Wnt signaling pathway; plus strand). Cytogenetic location: 5q22.2.
Variant type: single nucleotide variant.
Coding change: c.2703G>A on transcript NM_000038.6 (MANE Select); coding-DNA position 2703, G replaced by A.
Protein change: p.Gln901=; no amino-acid change (glutamine 901 retained).
Molecular consequence: synonymous variant. On other transcripts: non-coding transcript variant (2).
Genome position (GRCh38, 1-based): chr5:112,838,297, G>A. VCF-style: chr5-112838297-G-A. GRCh37 (hg19) VCF-style: chr5-112173994-G-A.
Other names: c.2757G>A, p.Gln919= (NM_001354896.2, NM_001407447.1, NM_001407448.1 and 1 more transcripts); c.2733G>A, p.Gln911= (NM_001354897.2); c.2628G>A, p.Gln876= (NM_001354898.2); c.2619G>A, p.Gln873= (NM_001354899.2); c.2703G>A, p.Gln901= (NM_001127510.3, NM_001354895.2, NM_001407450.1); c.2649G>A, p.Gln883= (NM_001127511.3); c.2580G>A, p.Gln860= (NM_001354900.2); c.2526G>A, p.Gln842= (NM_001354901.2, NM_001407453.1); and 11 more.
Identifiers: ClinVar variation 3148266 (VCV003148266.2), dbSNP rs2149875632, ClinGen allele CA445963019.
Genomic context (GRCh38, chr5:112,838,297, plus strand): 5'-CACCACTGCAGCCCAGATTGCCAAAGTCATGGAAGAAGTGTCAGCCATTCATACCTCTCA[G>A]GAAGACAGAAGTTCTGGGTCTACCACTGAATTACATTGTGTGACAGATGAGAGAAATGCA-3'
Protein context (NP_000029.2, residues 891-911): MEEVSAIHTS[Gln901=]EDRSSGSTTE